The following is an entry in ClinVar:

ClinVar aggregate classification (germline): Uncertain significance (1 of 4 stars; one submission).

Submission:

GeneDx
Classification: Uncertain significance. Last evaluated: 2020-01-22. Review status: criteria provided, single submitter. Criteria: GeneDx Variant Classification Process June 2021. Collection method: clinical testing. Allele origin: germline. Affected: yes.
Comment: Not observed in large population cohorts (Lek et al., 2016); In silico analysis, which includes protein predictors and evolutionary conservation, supports a deleterious effect; Has not been previously published as pathogenic or benign to our knowledge

NM_001367624.2(ZNF469):c.1877C>G (p.Pro626Arg)

Gene: ZNF469 (zinc finger protein 469; plus strand). Cytogenetic location: 16q24.2.
Variant type: single nucleotide variant.
Coding change: c.1877C>G on transcript NM_001367624.2 (MANE Select); coding-DNA position 1877, C replaced by G.
Protein change: p.Pro626Arg; replaces proline 626 with arginine.
Molecular consequence: missense variant.
Genome position (GRCh38, 1-based): chr16:88,429,347, C>G. VCF-style: chr16-88429347-C-G. GRCh37 (hg19) VCF-style: chr16-88495755-C-G.
Other names: NM_001127464.1:c.1877C>G; short protein forms P626R.
Identifiers: ClinVar variation 1313149 (VCV001313149.2), dbSNP rs2142300445, ClinGen allele CA397069040.